The following is an entry in ClinVar:

ClinVar aggregate classification (germline): Likely benign (1 of 4 stars; one submission).

Conditions:
Charcot-Marie-Tooth disease type 4D. Also called: CHARCOT-MARIE-TOOTH DISEASE, DEMYELINATING, AUTOSOMAL RECESSIVE, TYPE 4D; NEUROPATHY, HEREDITARY MOTOR AND SENSORY, LOM TYPE; Charcot-Marie-Tooth Neuropathy Type 4D; CHARCOT-MARIE-TOOTH DISEASE, DEMYELINATING, TYPE 4D. Identifiers: Orphanet 99950, MedGen C1832334, MONDO:0011085, OMIM 601455.

Allele frequency attached by ClinVar (database versions not stated): gnomAD 0.00026 and 0.00040; gnomAD exomes 0.00029; TOPMed 0.00032; 1000 Genomes Project 0.00300; 1000 Genomes Project 30x 0.00328.
gnomAD v4.1: 83 of 232,076 alleles (0.036%); highest among the groups gnomAD compares: East Asian, 0.36%; no homozygotes.

Submission:

Illumina Laboratory Services, Illumina
Classification: Likely benign for Charcot-Marie-Tooth disease type 4D. Last evaluated: 2018-01-12. Review status: criteria provided, single submitter. Criteria: ICSL Variant Classification Criteria 13 December 2019. Collection method: clinical testing. Allele origin: germline.
Comment: This variant was observed in the ICSL laboratory as part of a predisposition screen in an ostensibly healthy population. It had not been previously curated by ICSL or reported in the Human Gene Mutation Database (HGMD: prior to June 1st, 2018), and was therefore a candidate for classification through an automated scoring system. Utilizing variant allele frequency, disease prevalence and penetrance estimates, and inheritance mode, an automated score was calculated to assess if this variant is too frequent to cause the disease. Based on the score and internal cut-off values, a variant classified as likely benign is not then subjected to further curation. The score for this variant resulted in a classification of likely benign for this disease.

NM_006096.4(NDRG1):c.*1473G>A

Gene: NDRG1 (N-myc downstream regulated 1; minus strand). Cytogenetic location: 8q24.22.
Variant type: single nucleotide variant.
Coding change: c.*1473G>A on transcript NM_006096.4 (MANE Select); 1473 bases downstream of the stop codon, G replaced by A.
Molecular consequence: 3 prime UTR variant.
Genome position (GRCh38, 1-based): chr8:133,237,405, C>T on the plus strand (G>A on the coding strand, the complement: NDRG1 is on the minus strand). VCF-style: chr8-133237405-C-T. GRCh37 (hg19) VCF-style: chr8-134249648-C-T.
Other names: c.*1473G>A (NM_001135242.2, NM_001258432.2, NM_001258433.2 and 4 more transcripts).
Identifiers: ClinVar variation 362009 (VCV000362009.5), dbSNP rs187466317, ClinGen allele CA10630317.